The following is an entry in ClinVar:

ClinVar aggregate classification (germline): Uncertain significance (1 of 4 stars; one submission).

Allele frequency attached by ClinVar (database versions not stated): gnomAD exomes below 0.00001; gnomAD 0.00001.
gnomAD v4.1: 3 of 1,612,732 alleles (0.00019%); highest among the groups gnomAD compares: Non-Finnish European, 0.00025%; no homozygotes.

Submission:

Labcorp Genetics (formerly Invitae), Labcorp
Classification: Uncertain significance. Last evaluated: 2022-09-24. Review status: criteria provided, single submitter. Criteria: Invitae Variant Classification Sherloc (09022015). Collection method: clinical testing. Allele origin: germline.
Comment: This sequence change replaces histidine, which is basic and polar, with glutamine, which is neutral and polar, at codon 270 of the HOGA1 protein (p.His270Gln). This variant is present in population databases (no rsID available, gnomAD 0.007%). This variant has not been reported in the literature in individuals affected with HOGA1-related conditions. Advanced modeling of protein sequence and biophysical properties (such as structural, functional, and spatial information, amino acid conservation, physicochemical variation, residue mobility, and thermodynamic stability) performed at Invitae indicates that this missense variant is not expected to disrupt HOGA1 protein function. In summary, the available evidence is currently insufficient to determine the role of this variant in disease. Therefore, it has been classified as a Variant of Uncertain Significance.

NM_138413.4(HOGA1):c.810C>A (p.His270Gln)

Gene: HOGA1 (4-hydroxy-2-oxoglutarate aldolase 1; plus strand). Cytogenetic location: 10q24.2.
Variant type: single nucleotide variant.
Coding change: c.810C>A on transcript NM_138413.4 (MANE Select); coding-DNA position 810, C replaced by A.
Protein change: p.His270Gln; replaces histidine 270 with glutamine.
Molecular consequence: missense variant.
Genome position (GRCh38, 1-based): chr10:97,601,966, C>A. VCF-style: chr10-97601966-C-A. GRCh37 (hg19) VCF-style: chr10-99361723-C-A.
Other names: c.321C>A, p.His107Gln (NM_001134670.2); short protein forms H107Q, H270Q.
Identifiers: ClinVar variation 2150187 (VCV002150187.1), dbSNP rs923565250, ClinGen allele CA212675358.